The following is an entry in ClinVar:

NM_002878.4(RAD51D):c.748C>A (p.His250Asn)

Genes: RAD51L3-RFFL (RAD51L3-RFFL readthrough; minus strand), RAD51D (RAD51 paralog D; minus strand). Cytogenetic location: 17q12.
Variant type: single nucleotide variant.
Coding change: c.748C>A on transcript NM_002878.4 (MANE Select); coding-DNA position 748, C replaced by A.
Protein change: p.His250Asn; replaces histidine 250 with asparagine.
Molecular consequence: missense variant. On other transcripts: non-coding transcript variant (3).
Genome position (GRCh38, 1-based): chr17:35,101,356, G>T on the plus strand (C>A on the coding strand, the complement: RAD51D is on the minus strand). VCF-style: chr17-35101356-G-T. GRCh37 (hg19) VCF-style: chr17-33428375-G-T.
Other names: c.808C>A, p.His270Asn (NM_001142571.2); c.412C>A, p.His138Asn (NM_133629.3); short protein forms H250N, H270N, H138N.
Identifiers: ClinVar variation 630738 (VCV000630738.5), dbSNP rs1400104355, ClinGen allele CA399086975.

ClinVar aggregate classification (germline): Uncertain significance (1 of 4 stars; one submission).

Conditions:
Hereditary cancer-predisposing syndrome. Also called: Tumor predisposition; Neoplastic Syndromes, Hereditary; Hereditary neoplastic syndrome; Hereditary Cancer Syndrome. Identifiers: Orphanet 140162, MedGen C0027672, MeSH D009386, MONDO:0015356.

Submission:

Color Diagnostics, LLC DBA Color Health
Classification: Uncertain significance for Hereditary cancer-predisposing syndrome. Last evaluated: 2023-12-05. Review status: criteria provided, single submitter. Criteria: ACMG Guidelines, 2015. Collection method: clinical testing. Allele origin: germline.
Comment: This missense variant replaces histidine with asparagine at codon 250 of the RAD51D protein. Computational prediction suggests that this variant may not impact protein structure and function (internally defined REVEL score threshold <= 0.5, PMID: 27666373). To our knowledge, functional studies have not been reported for this variant. This variant has not been reported in individuals affected with RAD51D-related disorders in the literature. This variant has not been identified in the general population by the Genome Aggregation Database (gnomAD). The available evidence is insufficient to determine the role of this variant in disease conclusively. Therefore, this variant is classified as a Variant of Uncertain Significance.